The following is an entry in ClinVar:

ClinVar aggregate classification (germline): Pathogenic/Likely pathogenic. Review status: criteria provided, multiple submitters, no conflicts (2 of 4 stars). 2 submissions from 2 submitters: Pathogenic (1); Likely pathogenic (1). Last evaluated 2025-02-12.

Conditions:
Primary ciliary dyskinesia 7. Also called: CILIARY DYSKINESIA, PRIMARY, 7, WITH OR WITHOUT SITUS INVERSUS. Identifiers: Orphanet 244, MedGen C2678473, MONDO:0012748, OMIM 611884.
Primary ciliary dyskinesia. Also called: Ciliary dyskinesia. Identifiers: Orphanet 244, MedGen C0008780, MONDO:0016575, HP:0012265.

Allele frequency attached by ClinVar (database versions not stated): TOPMed below 0.00001; gnomAD 0.00001.
gnomAD v4.1: 2 of 1,612,512 alleles (0.00012%); highest among the groups gnomAD compares: Non-Finnish European, 0.00017%; no homozygotes.

Submissions (2):

Broad Center for Mendelian Genomics, Broad Institute of MIT and Harvard
Classification: Likely pathogenic for Primary ciliary dyskinesia 7. Last evaluated: 2025-02-12. Review status: criteria provided, single submitter. Criteria: ACMG Guidelines, 2015. Collection method: curation. Allele origin: germline. Inheritance: Autosomal recessive inheritance.
Comment: The p.Glu1683Ter variant in DNAH11 has not been previously reported in the literature in individuals with primary ciliary dyskinesia, but has been identified in 0.0002% (2/1179188) of European (non-Finnish) chromosomes by the Genome Aggregation Database (gnomAD; dbSNP rs767308949). Although this variant has been seen in the general population in a heterozygous state, its frequency is low enough to be consistent with a recessive carrier frequency. This variant has also been reported in ClinVar (Variation ID: 632000) and has been interpreted as pathogenic by Invitae and as a variant of uncertain significance by Illumina Laboratory Services (Illumina). This nonsense variant leads to a premature termination codon at position 1683, which is predicted to lead to a truncated or absent protein. Loss of function of the DNAH11 gene is an established disease mechanism in autosomal recessive primary ciliary dyskinesia. In summary, although additional studies are required to fully establish its clinical significance, this variant is likely pathogenic for autosomal recessive primary ciliary dyskinesia. ACMG/AMP Criteria applied: PVS1, PM2_supporting (Richards 2015).

Labcorp Genetics (formerly Invitae), Labcorp
Classification: Pathogenic for Primary ciliary dyskinesia. Last evaluated: 2020-05-15. Review status: criteria provided, single submitter. Criteria: Invitae Variant Classification Sherloc (09022015). Collection method: clinical testing. Allele origin: germline.
Comment: For these reasons, this variant has been classified as Pathogenic. Loss-of-function variants in DNAH11 are known to be pathogenic (PMID: 18022865, 20513915, 22184204). This variant has not been reported in the literature in individuals with DNAH11-related conditions. ClinVar contains an entry for this variant (Variation ID: 632000). This variant is not present in population databases (ExAC no frequency). This sequence change creates a premature translational stop signal (p.Glu1683*) in the DNAH11 gene. It is expected to result in an absent or disrupted protein product.

Literature cited by the submitters: PubMed 18022865 (cited by Labcorp Genetics (formerly Invitae), Labcorp); PubMed 20513915 (cited by Labcorp Genetics (formerly Invitae), Labcorp); PubMed 22184204 (cited by Labcorp Genetics (formerly Invitae), Labcorp).

NM_001277115.2(DNAH11):c.5047G>T (p.Glu1683Ter)

Gene: DNAH11 (dynein axonemal heavy chain 11; plus strand). Cytogenetic location: 7p15.3.
Variant type: single nucleotide variant.
Coding change: c.5047G>T on transcript NM_001277115.2 (MANE Select); coding-DNA position 5047, G replaced by T.
Protein change: p.Glu1683Ter; replaces glutamic acid 1683 with a stop codon.
Molecular consequence: nonsense.
Genome position (GRCh38, 1-based): chr7:21,655,934, G>T. VCF-style: chr7-21655934-G-T. GRCh37 (hg19) VCF-style: chr7-21695552-G-T.
Other names: NM_001277115.2(DNAH11):c.5047G>T; p.Glu1683Ter; short protein forms E1683*.
Identifiers: ClinVar variation 632000 (VCV000632000.12), dbSNP rs767308949, ClinGen allele CA366938203.